The following is an entry in ClinVar:

NM_001267550.2(TTN):c.29421-19del

Gene: TTN (titin; minus strand). Cytogenetic location: 2q31.2.
Variant type: Deletion.
Coding change: c.29421-19del on transcript NM_001267550.2 (MANE Select); 19 bases into the intron before coding-DNA position 29421, one base deleted (C; older notation c.29421-19delC).
Molecular consequence: intron variant.
Genome position (GRCh38, 1-based): chr2:178,705,376, G deleted on the plus strand (C on the coding strand, the reverse complement: TTN is on the minus strand). VCF-style (leftmost placement, unchanged base first): chr2-178705375-AG-A. GRCh37 (hg19) VCF-style: chr2-179570102-AG-A.
Other names: c.13282+32706del (NM_003319.4); c.13858+32706del (NM_133437.4); c.13657+32706del (NM_133432.3); c.25689-19del (NM_133378.4); c.28470-19del (NM_001256850.1); c.28470-19delC (NM_001256850.1).
Identifiers: ClinVar variation 422688 (VCV000422688.6), dbSNP rs1064795938, ClinGen allele CA16617378.

ClinVar aggregate classification (germline): Likely benign. Review status: criteria provided, multiple submitters, no conflicts (2 of 4 stars). 2 submissions from 2 submitters: Likely benign (2). Last evaluated 2025-08-13.

Conditions:
Dilated cardiomyopathy 1G (CMD1G). Identifiers: Orphanet 154, MedGen C1858763, MONDO:0011400, OMIM 604145.
Autosomal recessive limb-girdle muscular dystrophy type 2J (LGMDR10). Also called: MUSCULAR DYSTROPHY, LIMB-GIRDLE, AUTOSOMAL RECESSIVE 10; Limb-girdle muscular dystrophy, type 2J. Identifiers: Orphanet 140922, MedGen C1837342, MONDO:0012127, OMIM 608807.

Allele frequency attached by ClinVar (database versions not stated): gnomAD exomes below 0.00001 and 0.00002; TOPMed 0.00003; gnomAD 0.00004.

Submissions (2):

Labcorp Genetics (formerly Invitae), Labcorp
Classification: Likely benign for Dilated cardiomyopathy 1G; Autosomal recessive limb-girdle muscular dystrophy type 2J. Last evaluated: 2025-08-13. Review status: criteria provided, single submitter. Criteria: Invitae Variant Classification Sherloc (09022015). Collection method: clinical testing. Allele origin: germline.

GeneDx
Classification: Likely benign. Last evaluated: 2016-11-10. Review status: criteria provided, single submitter. Criteria: GeneDx Variant Classification (06012015). Collection method: clinical testing. Allele origin: germline. Affected: yes.
Comment: This variant is considered likely benign or benign based on one or more of the following criteria: it is a conservative change, it occurs at a poorly conserved position in the protein, it is predicted to be benign by multiple in silico algorithms, and/or has population frequency not consistent with disease.